The following is an entry in ClinVar:

NM_000322.5(PRPH2):c.509del (p.Gly170fs)

Gene: PRPH2 (peripherin 2; minus strand). Cytogenetic location: 6p21.1.
Variant type: Deletion.
Coding change: c.509del on transcript NM_000322.5 (MANE Select); coding-DNA position 509, one base deleted (G; older notation c.509delG).
Protein change: p.Gly170fs; shifts the reading frame from glycine 170.
Molecular consequence: frameshift variant.
Genome position (GRCh38, 1-based): chr6:42,721,826, C deleted on the plus strand (G on the coding strand, the reverse complement: PRPH2 is on the minus strand); the first of 2 consecutive C bases (chr6:42,721,826-42,721,827); deleting either gives the same sequence. VCF-style (leftmost placement, unchanged base first): chr6-42721825-AC-A. GRCh37 (hg19) VCF-style: chr6-42689563-AC-A.
Other names: short protein forms G170fs.
Identifiers: ClinVar variation 1365300 (VCV001365300.6), dbSNP rs2152010910, ClinGen allele CA2573140734.

ClinVar aggregate classification (germline): Pathogenic (1 of 4 stars; one submission).

Conditions:
PRPH2-related disorder. Also called: PRPH2-related disorders; PRPH2-related condition. Identifiers: MedGen CN239395.

Submission:

Labcorp Genetics (formerly Invitae), Labcorp
Classification: Pathogenic for PRPH2-related disorder. Last evaluated: 2023-08-04. Review status: criteria provided, single submitter. Criteria: Invitae Variant Classification Sherloc (09022015). Collection method: clinical testing. Allele origin: germline.
Comment: This variant is not present in population databases (gnomAD no frequency). This variant has not been reported in the literature in individuals affected with PRPH2-related conditions. ClinVar contains an entry for this variant (Variation ID: 1365300). For these reasons, this variant has been classified as Pathogenic. This sequence change creates a premature translational stop signal (p.Gly170Valfs*86) in the PRPH2 gene. It is expected to result in an absent or disrupted protein product. Loss-of-function variants in PRPH2 are known to be pathogenic (PMID: 8111389, 8485575, 8485576, 8675410, 16916875, 17504850, 22863181, 25675413, 26061163, 27365499, 29555955, 33546218).

Literature cited by the submitters: PubMed 8111389; PubMed 8485575; PubMed 8485576; PubMed 8675410; PubMed 16916875; PubMed 17504850; PubMed 22863181; PubMed 25675413; PubMed 26061163; PubMed 27365499; PubMed 29555955; PubMed 33546218.